The following is an entry in ClinVar:

ClinVar aggregate classification (germline): Uncertain significance (1 of 4 stars; one submission).

Conditions:
Familial cold autoinflammatory syndrome 3 (FCAS3). Also called: ANTIBODY DEFICIENCY AND IMMUNE DYSREGULATION, PLCG2-ASSOCIATED; FAMILIAL ATYPICAL COLD URTICARIA. Identifiers: Orphanet 300359, MedGen C3280914, MONDO:0013766, OMIM 614468.

Submission:

Labcorp Genetics (formerly Invitae), Labcorp
Classification: Uncertain significance for Familial cold autoinflammatory syndrome 3. Last evaluated: 2024-12-10. Review status: criteria provided, single submitter. Criteria: Invitae Variant Classification Sherloc (09022015). Collection method: clinical testing. Allele origin: germline.
Comment: This sequence change replaces methionine, which is neutral and non-polar, with threonine, which is neutral and polar, at codon 513 of the PLCG2 protein (p.Met513Thr). This variant is not present in population databases (gnomAD no frequency). This variant has not been reported in the literature in individuals affected with PLCG2-related conditions. ClinVar contains an entry for this variant (Variation ID: 1476694). An algorithm developed to predict the effect of missense changes on protein structure and function outputs the following: PolyPhen-2: "Benign". The threonine amino acid residue is found in multiple mammalian species, which suggests that this missense change does not adversely affect protein function. In summary, the available evidence is currently insufficient to determine the role of this variant in disease. Therefore, it has been classified as a Variant of Uncertain Significance.

NM_002661.5(PLCG2):c.1538T>C (p.Met513Thr)

Gene: PLCG2 (phospholipase C gamma 2; plus strand). Cytogenetic location: 16q23.3.
Variant type: single nucleotide variant.
Coding change: c.1538T>C on transcript NM_002661.5 (MANE Select); coding-DNA position 1538, T replaced by C.
Protein change: p.Met513Thr; replaces methionine 513 with threonine.
Molecular consequence: missense variant.
Genome position (GRCh38, 1-based): chr16:81,907,755, T>C. VCF-style: chr16-81907755-T-C. GRCh37 (hg19) VCF-style: chr16-81941360-T-C.
Other names: short protein forms M513T.
Identifiers: ClinVar variation 1476694 (VCV001476694.5), dbSNP rs1348992625, ClinGen allele CA396899988.